The following is an entry in ClinVar:

NM_020937.4(FANCM):c.901C>G (p.Gln301Glu)

Gene: FANCM (FA complementation group M; plus strand). Cytogenetic location: 14q21.2.
Variant type: single nucleotide variant.
Coding change: c.901C>G on transcript NM_020937.4 (MANE Select); coding-DNA position 901, C replaced by G.
Protein change: p.Gln301Glu; replaces glutamine 301 with glutamic acid.
Molecular consequence: missense variant.
Genome position (GRCh38, 1-based): chr14:45,148,978, C>G. VCF-style: chr14-45148978-C-G. GRCh37 (hg19) VCF-style: chr14-45618181-C-G.
Other names: c.823C>G, p.Gln275Glu (NM_001308133.2); c.901C>G, p.Gln301Glu (NM_001308134.2); short protein forms Q275E, Q301E.
Identifiers: ClinVar variation 3848571 (VCV003848571.1).

ClinVar aggregate classification (germline): Uncertain significance (1 of 4 stars; one submission).

Conditions:
Inborn genetic diseases. Identifiers: MedGen C0950123, MeSH D030342.

Submission:

Ambry Genetics
Classification: Uncertain significance for Inborn genetic diseases. Last evaluated: 2025-01-03. Review status: criteria provided, single submitter. Criteria: Ambry Variant Classification Scheme 2023. Collection method: clinical testing. Allele origin: germline.
Comment: The p.Q301E variant (also known as c.901C>G), located in coding exon 4 of the FANCM gene, results from a C to G substitution at nucleotide position 901. The glutamine at codon 301 is replaced by glutamic acid, an amino acid with highly similar properties. This amino acid position is conserved. In addition, this alteration is predicted to be tolerated by in silico analysis. Based on the available evidence, the clinical significance of this variant remains unclear.